The following is an entry in ClinVar:

ClinVar aggregate classification (germline): Uncertain significance (1 of 4 stars; one submission).

gnomAD v4.1: 2 of 1,614,204 alleles (0.00012%); no homozygotes.

Submission:

Labcorp Genetics (formerly Invitae), Labcorp
Classification: Uncertain significance. Last evaluated: 2021-03-24. Review status: criteria provided, single submitter. Criteria: Invitae Variant Classification Sherloc (09022015). Collection method: clinical testing. Allele origin: germline.
Comment: In summary, the available evidence is currently insufficient to determine the role of this variant in disease. Therefore, it has been classified as a Variant of Uncertain Significance. Algorithms developed to predict the effect of missense changes on protein structure and function (SIFT, PolyPhen-2, Align-GVGD) all suggest that this variant is likely to be disruptive, but these predictions have not been confirmed by published functional studies and their clinical significance is uncertain. This variant has not been reported in the literature in individuals with PAX4-related conditions. This variant is not present in population databases (ExAC no frequency). This sequence change replaces proline with threonine at codon 32 of the PAX4 protein (p.Pro32Thr). The proline residue is highly conserved and there is a small physicochemical difference between proline and threonine.

NM_001366110.1(PAX4):c.118C>A (p.Pro40Thr)

Gene: PAX4 (paired box 4; minus strand). Cytogenetic location: 7q32.1.
Variant type: single nucleotide variant.
Coding change: c.118C>A on transcript NM_001366110.1 (MANE Select); coding-DNA position 118, C replaced by A.
Protein change: p.Pro40Thr; replaces proline 40 with threonine.
Molecular consequence: missense variant.
Genome position (GRCh38, 1-based): chr7:127,615,427, G>T on the plus strand (C>A on the coding strand, the complement: PAX4 is on the minus strand). VCF-style: chr7-127615427-G-T. GRCh37 (hg19) VCF-style: chr7-127255481-G-T.
Other names: c.118C>A, p.Pro40Thr (NM_001366111.1); short protein forms P40T.
Identifiers: ClinVar variation 1405247 (VCV001405247.6), dbSNP rs1794708788, ClinGen allele CA369178677.